The following is an entry in ClinVar:

ClinVar aggregate classification (germline): Uncertain significance (1 of 4 stars; one submission).

gnomAD v4.1: 3 of 1,613,166 alleles (0.00019%); highest among the groups gnomAD compares: Non-Finnish European, 0.00025%; no homozygotes.

Submission:

Labcorp Genetics (formerly Invitae), Labcorp
Classification: Uncertain significance. Last evaluated: 2025-08-22. Review status: criteria provided, single submitter. Criteria: Invitae Variant Classification Sherloc (09022015). Collection method: clinical testing. Allele origin: germline.
Comment: This sequence change replaces proline, which is neutral and non-polar, with threonine, which is neutral and polar, at codon 712 of the PLEKHM2 protein (p.Pro712Thr). This variant is present in population databases (no rsID available, gnomAD 0.0009%). This variant has not been reported in the literature in individuals affected with PLEKHM2-related conditions. An algorithm developed to predict the effect of missense changes on protein structure and function (PolyPhen-2) suggests that this variant is likely to be disruptive. In summary, the available evidence is currently insufficient to determine the role of this variant in disease. Therefore, it has been classified as a Variant of Uncertain Significance.

NM_015164.4(PLEKHM2):c.2134C>A (p.Pro712Thr)

Gene: PLEKHM2 (pleckstrin homology and RUN domain containing M2; plus strand). Cytogenetic location: 1p36.21.
Variant type: single nucleotide variant.
Coding change: c.2134C>A on transcript NM_015164.4 (MANE Select); coding-DNA position 2134, C replaced by A.
Protein change: p.Pro712Thr; replaces proline 712 with threonine.
Molecular consequence: missense variant.
Genome position (GRCh38, 1-based): chr1:15,729,855, C>A. VCF-style: chr1-15729855-C-A. GRCh37 (hg19) VCF-style: chr1-16056350-C-A.
Other names: c.2074C>A, p.Pro692Thr (NM_001410755.1); short protein forms P692T, P712T.
Identifiers: ClinVar variation 4812603 (VCV004812603.1).